The following is an entry in ClinVar:

NM_002691.4(POLD1):c.1404G>A (p.Lys468=)

Gene: POLD1 (DNA polymerase delta 1, catalytic subunit; plus strand). Cytogenetic location: 19q13.33.
Variant type: single nucleotide variant.
Coding change: c.1404G>A on transcript NM_002691.4 (MANE Select); coding-DNA position 1404, G replaced by A.
Protein change: p.Lys468=; no amino-acid change (lysine 468 retained).
Molecular consequence: synonymous variant. On other transcripts: non-coding transcript variant (1).
Genome position (GRCh38, 1-based): chr19:50,406,427, G>A. VCF-style: chr19-50406427-G-A. GRCh37 (hg19) VCF-style: chr19-50909684-G-A.
Other names: c.1404G>A, p.Lys468= (NM_001256849.1, NM_001308632.1).
Identifiers: ClinVar variation 1139457 (VCV001139457.12), dbSNP rs2122326348, ClinGen allele CA508304857.

ClinVar aggregate classification (germline): Benign/Likely benign. Review status: criteria provided, multiple submitters, no conflicts (2 of 4 stars). 3 submissions from 3 submitters: Benign (1); Likely benign (2). Last evaluated 2025-04-28.

Conditions:
POLD1-related polyposis and colorectal cancer syndrome (CRCS10). Also called: Colorectal cancer, susceptibility to, 10; Colorectal cancer 10; COLORECTAL CANCER, SUSCEPTIBILITY TO, ON CHROMOSOME 19q. Identifiers: Orphanet 220460, MedGen C2675481, MONDO:0012953, OMIM 612591.
Hereditary cancer-predisposing syndrome. Also called: Hereditary neoplastic syndrome; Neoplastic Syndromes, Hereditary; Tumor predisposition; Hereditary Cancer Syndrome. Identifiers: Orphanet 140162, MedGen C0027672, MeSH D009386, MONDO:0015356.

Allele frequency attached by ClinVar (database versions not stated): gnomAD 0.00001.
gnomAD v4.1: 1 of 1,601,192 alleles (0.000062%); highest among the groups gnomAD compares: East Asian, 0.0023%; no homozygotes.

Submissions (3):

Labcorp Genetics (formerly Invitae), Labcorp
Classification: Likely benign for POLD1-related polyposis and colorectal cancer syndrome. Last evaluated: 2025-04-28. Review status: criteria provided, single submitter. Criteria: Invitae Variant Classification Sherloc (09022015). Collection method: clinical testing. Allele origin: germline.

Myriad Genetics, Inc.
Classification: Benign for POLD1-related polyposis and colorectal cancer syndrome. Last evaluated: 2025-02-06. Review status: criteria provided, single submitter. Criteria: Myriad Autosomal Dominant, Autosomal Recessive and X-Linked Classification Criteria (2023). Collection method: clinical testing. Allele origin: unknown.
Comment: This variant is considered benign. This variant is a silent/synonymous amino acid change and it is not expected to impact splicing.

Ambry Genetics
Classification: Likely benign for Hereditary cancer-predisposing syndrome. Last evaluated: 2021-01-15. Review status: criteria provided, single submitter. Criteria: Ambry Variant Classification Scheme 2023. Collection method: clinical testing. Allele origin: germline.